The following is an entry in ClinVar:

NM_014844.5(TECPR2):c.3106C>T (p.Gln1036Ter)

Gene: TECPR2 (tectonin beta-propeller repeat containing 2; plus strand). Cytogenetic location: 14q32.31.
Variant type: single nucleotide variant.
Coding change: c.3106C>T on transcript NM_014844.5 (MANE Select); coding-DNA position 3106, C replaced by T.
Protein change: p.Gln1036Ter; replaces glutamine 1036 with a stop codon.
Molecular consequence: nonsense.
Genome position (GRCh38, 1-based): chr14:102,449,659, C>T. VCF-style: chr14-102449659-C-T. GRCh37 (hg19) VCF-style: chr14-102915996-C-T.
Other names: c.3106C>T, p.Gln1036Ter (NM_001172631.3); short protein forms Q1036*.
Identifiers: ClinVar variation 2014529 (VCV002014529.4), dbSNP rs2504453043, ClinGen allele CA391067932.

ClinVar aggregate classification (germline): Pathogenic (1 of 4 stars; one submission).

Conditions:
Hereditary spastic paraplegia 49 (HSAN9). Also called: TECPR2-Related Hereditary Sensory and Autonomic Neuropathy with Intellectual Disability; Spastic paraplegia 49, autosomal recessive; NEUROPATHY, HEREDITARY SENSORY AND AUTONOMIC, TYPE IX, WITH DEVELOPMENTAL DELAY. Identifiers: Orphanet 320385, MedGen C5190860, MONDO:0014016, OMIM 615031.

Submission:

Labcorp Genetics (formerly Invitae), Labcorp
Classification: Pathogenic for Hereditary spastic paraplegia 49. Last evaluated: 2022-07-06. Review status: criteria provided, single submitter. Criteria: Invitae Variant Classification Sherloc (09022015). Collection method: clinical testing. Allele origin: germline.
Comment: For these reasons, this variant has been classified as Pathogenic. This variant has not been reported in the literature in individuals affected with TECPR2-related conditions. This variant is not present in population databases (gnomAD no frequency). This sequence change creates a premature translational stop signal (p.Gln1036*) in the TECPR2 gene. It is expected to result in an absent or disrupted protein product. Loss-of-function variants in TECPR2 are known to be pathogenic (PMID: 23176824, 25590979).

Literature cited by the submitters: PubMed 23176824; PubMed 25590979.